The following is an entry in ClinVar:

ClinVar aggregate classification (germline): Uncertain significance. Review status: criteria provided, multiple submitters, no conflicts (2 of 4 stars). 3 submissions from 3 submitters: Uncertain significance (3). Last evaluated 2025-07-18.

Conditions:
SPTLC1-related disorder. Also called: SPTLC1-related condition.
Inborn genetic diseases. Identifiers: MedGen C0950123, MeSH D030342.
Hereditary sensory and autonomic neuropathy type 1 (HSAN1). Also called: HSAN 1; HSN Type I; Hereditary Sensory Neuropathy Type I. Identifiers: Orphanet 36386, MedGen C0020071, MONDO:0018213.

Allele frequency attached by ClinVar (database versions not stated): gnomAD exomes 0.00001 and 0.00003; gnomAD 0.00001; ExAC 0.00001; TOPMed 0.00001.

Submissions (3):

PreventionGenetics, part of Exact Sciences
Classification: Uncertain significance for SPTLC1-related condition. Last evaluated: 2025-07-18. Review status: criteria provided, single submitter. Criteria: ACMG Guidelines, 2015. Collection method: clinical testing. Allele origin: germline.
Comment: The SPTLC1 c.718C>T variant is predicted to result in the amino acid substitution p.Arg240Cys. This variant has been reported in indidivuals with adult-onset or juvenile amyotrophic lateral sclerosis (Okubo et al. 2024. PubMedID: 39666121; eTable 3, Johnson et al. 2021. PubMedID: 34459874). This variant is reported in 0.0054% of alleles in individuals of East Asian descent in gnomAD. At this time, the clinical significance of this variant is uncertain due to the absence of conclusive functional and genetic evidence.

Labcorp Genetics (formerly Invitae), Labcorp
Classification: Uncertain significance for Hereditary sensory and autonomic neuropathy type 1. Last evaluated: 2022-12-14. Review status: criteria provided, single submitter. Criteria: Invitae Variant Classification Sherloc (09022015). Collection method: clinical testing. Allele origin: germline.
Comment: In summary, the available evidence is currently insufficient to determine the role of this variant in disease. Therefore, it has been classified as a Variant of Uncertain Significance. Advanced modeling of protein sequence and biophysical properties (such as structural, functional, and spatial information, amino acid conservation, physicochemical variation, residue mobility, and thermodynamic stability) performed at Invitae indicates that this missense variant is not expected to disrupt SPTLC1 protein function. ClinVar contains an entry for this variant (Variation ID: 1026225). This variant has not been reported in the literature in individuals affected with SPTLC1-related conditions. This variant is present in population databases (rs769908505, gnomAD 0.006%). This sequence change replaces arginine, which is basic and polar, with cysteine, which is neutral and slightly polar, at codon 240 of the SPTLC1 protein (p.Arg240Cys).

Ambry Genetics
Classification: Uncertain significance for Inborn genetic diseases. Last evaluated: 2020-10-08. Review status: criteria provided, single submitter. Criteria: Ambry Variant Classification Scheme 2023. Collection method: clinical testing. Allele origin: germline.
Comment: The p.R240C variant (also known as c.718C>T), located in coding exon 8 of the SPTLC1 gene, results from a C to T substitution at nucleotide position 718. The arginine at codon 240 is replaced by cysteine, an amino acid with highly dissimilar properties. This amino acid position is well conserved in available vertebrate species. In addition, this alteration is predicted to be deleterious by in silico analysis. Since supporting evidence is limited at this time, the clinical significance of this alteration remains unclear.

NM_006415.4(SPTLC1):c.718C>T (p.Arg240Cys)

Gene: SPTLC1 (serine palmitoyltransferase long chain base subunit 1; minus strand). Cytogenetic location: 9q22.31.
Variant type: single nucleotide variant.
Coding change: c.718C>T on transcript NM_006415.4 (MANE Select); coding-DNA position 718, C replaced by T.
Protein change: p.Arg240Cys; replaces arginine 240 with cysteine.
Molecular consequence: missense variant.
Genome position (GRCh38, 1-based): chr9:92,055,467, G>A on the plus strand (C>T on the coding strand, the complement: SPTLC1 is on the minus strand). VCF-style: chr9-92055467-G-A. GRCh37 (hg19) VCF-style: chr9-94817749-G-A.
Other names: c.718C>T, p.Arg240Cys (NM_001281303.2); c.352C>T, p.Arg118Cys (NM_001368272.1); c.253C>T, p.Arg85Cys (NM_001368273.1); c.718C>T (NM_006415.3); short protein forms R118C, R240C, R85C.
Identifiers: ClinVar variation 1026225 (VCV001026225.11), dbSNP rs769908505, ClinGen allele CA5121451.
Genomic context (GRCh38, chr9:92,055,467, plus strand): 5'-ATTCTGGAAGAGGACAAATAGTTCCAGTATTCATATACAATCCTTCTACTACAATGAAAC[G>A]CCGAGTTACACGAGCCTTGCGAGGATTCTTTAAAAGAGAAAAAGCAGACATCTTACATTT-3'
Protein context (NP_006406.1, residues 230-250): KNPRKARVTR[Arg240Cys]FIVVEGLYMN